The following is an entry in ClinVar:

ClinVar aggregate classification (germline): Uncertain significance (1 of 4 stars; one submission).

Submission:

Ambry Genetics
Classification: Uncertain significance. Last evaluated: 2021-09-20. Review status: criteria provided, single submitter. Criteria: Ambry Variant Classification Scheme 2023. Collection method: clinical testing. Allele origin: germline.
Comment: The p.P1759R variant (also known as c.5276C>G), located in coding exon 4 of the ALPK2 gene, results from a C to G substitution at nucleotide position 5276. The proline at codon 1759 is replaced by arginine, an amino acid with dissimilar properties. This amino acid position is conserved. In addition, this alteration is predicted to be tolerated by in silico analysis. Since supporting evidence is limited at this time, the clinical significance of this alteration remains unclear.

NM_052947.4(ALPK2):c.5276C>G (p.Pro1759Arg)

Genes: ALPK2 (alpha kinase 2; minus strand), LOC130062577 (ATAC-STARR-seq lymphoblastoid active region 13389; plus strand). Cytogenetic location: 18q21.31.
Variant type: single nucleotide variant.
Coding change: c.5276C>G on transcript NM_052947.4 (MANE Select); coding-DNA position 5276, C replaced by G.
Protein change: p.Pro1759Arg; replaces proline 1759 with arginine.
Molecular consequence: missense variant.
Genome position (GRCh38, 1-based): chr18:58,534,911, G>C on the plus strand (C>G on the coding strand, the complement: ALPK2 is on the minus strand). VCF-style: chr18-58534911-G-C. GRCh37 (hg19) VCF-style: chr18-56202143-G-C.
Other names: short protein forms P1759R.
Identifiers: ClinVar variation 1746531 (VCV001746531.2), dbSNP rs2518873196, ClinGen allele CA402557248.
Genomic context (GRCh38, chr18:58,534,911, plus strand): 5'-CAAGATGGCTTTTTTGGGTCTTGTTTCTCTTCTGTGTGTGATAATGATGTTTCGAGTTTG[G>C]GCATCTTTTTAAGAAAGGCTGAGTTCTTTCTGATATTTTCCTTTTCTTCCAGTTTCAGCC-3'
Protein context (NP_443179.3, residues 1749-1769): RKNSAFLKKM[Pro1759Arg]KLETSLSHTE